The following is an entry in ClinVar:

NM_001130823.3(DNMT1):c.489T>G (p.Ile163Met)

Gene: DNMT1 (DNA methyltransferase 1; minus strand). Cytogenetic location: 19p13.2.
Variant type: single nucleotide variant.
Coding change: c.489T>G on transcript NM_001130823.3 (MANE Select); coding-DNA position 489, T replaced by G.
Protein change: p.Ile163Met; replaces isoleucine 163 with methionine.
Molecular consequence: missense variant. On other transcripts: intron variant (2).
Genome position (GRCh38, 1-based): chr19:10,180,191, A>C on the plus strand (T>G on the coding strand, the complement: DNMT1 is on the minus strand). VCF-style: chr19-10180191-A-C. GRCh37 (hg19) VCF-style: chr19-10290867-A-C.
Other names: c.126T>G, p.Ile42Met (NM_001318731.2); c.445+159T>G (NM_001379.4, NM_001318730.2); c.489T>G (NM_001130823.2); short protein forms I163M, I42M.
Identifiers: ClinVar variation 1211872 (VCV001211872.10), dbSNP rs532948016, ClinGen allele CA9188734.
Genomic context (GRCh38, chr19:10,180,191, plus strand): 5'-TGGTAAGACCCCATCTCTACTAAATACAAAAATTAGCTGGGTGTGGTGGCACATACCTCT[A>C]ATCCCAGTTACTTGGGAGGCTGAGGCAGGAGGGTCTCTTGAACCTGGGAGGCAGAGGTTA-3'
Protein context (NP_001124295.1, residues 153-173): PPASASQVTG[Ile163Met]RAEPSPSPRI

ClinVar aggregate classification (germline): Likely benign. Review status: criteria provided, multiple submitters, no conflicts (2 of 4 stars). 4 submissions from 4 submitters: Likely benign (4). Last evaluated 2026-06-09.

Conditions:
DNMT1-related disorder. Also called: DNMT1-related condition. Identifiers: MedGen CN381527.
Hereditary sensory neuropathy-deafness-dementia syndrome. Also called: HSN IE; NEUROPATHY, HEREDITARY SENSORY, WITH HEARING LOSS AND DEMENTIA; Hereditary Sensory and Autonomic Neuropathy Type 1E (HSAN1E); Hereditary sensory neuropathy type IE. Identifiers: Orphanet 456318, MedGen C3279885, MONDO:0013584, OMIM 614116.

Allele frequency attached by ClinVar (database versions not stated): TOPMed 0.00001; gnomAD 0.00005; gnomAD exomes 0.00007 and 0.00010; 1000 Genomes Project 0.00060; 1000 Genomes Project 30x 0.00062; ExAC 0.00116.
gnomAD v4.1: 53 of 842,676 alleles (0.0063%); highest among the groups gnomAD compares: South Asian, 0.075%; 1 homozygote.

Submissions (4):

PreventionGenetics, part of Exact Sciences
Classification: Likely benign for DNMT1-related condition. Last evaluated: 2026-06-09. Review status: criteria provided, single submitter. Criteria: ACMG Guidelines, 2015. Collection method: clinical testing. Allele origin: germline.
Comment: This variant is classified as likely benign based on ACMG/AMP sequence variant interpretation guidelines (Richards et al. 2015 PMID: 25741868, with internal and published modifications).

Labcorp Genetics (formerly Invitae), Labcorp
Classification: Likely benign for Hereditary sensory neuropathy-deafness-dementia syndrome. Last evaluated: 2023-05-09. Review status: criteria provided, single submitter. Criteria: Invitae Variant Classification Sherloc (09022015). Collection method: clinical testing. Allele origin: germline.

Blueprint Genetics
Classification: Likely benign. Last evaluated: 2021-11-07. Review status: criteria provided, single submitter. Criteria: ACMG Guidelines, 2015. Collection method: clinical testing. Allele origin: germline.

GeneDx
Classification: Likely benign. Last evaluated: 2020-07-14. Review status: criteria provided, single submitter. Criteria: GeneDx Variant Classification Process June 2021. Collection method: clinical testing. Allele origin: germline. Affected: yes.